The following is an entry in ClinVar:

ClinVar aggregate classification (germline): Uncertain significance (1 of 4 stars; one submission).

Conditions:
Developmental and epileptic encephalopathy 94 (DEE94). Also called: Epileptic encephalopathy, childhood-onset; CHD2-Related Neurodevelopmental Disorders. Identifiers: Orphanet 1942, Orphanet 2382, MedGen C3809278, MONDO:0014150, OMIM 615369.

Submission:

Labcorp Genetics (formerly Invitae), Labcorp
Classification: Uncertain significance for Developmental and epileptic encephalopathy 94. Last evaluated: 2025-06-04. Review status: criteria provided, single submitter. Criteria: Invitae Variant Classification Sherloc (09022015). Collection method: clinical testing. Allele origin: germline.
Comment: This sequence change replaces lysine, which is basic and polar, with arginine, which is basic and polar, at codon 343 of the CHD2 protein (p.Lys343Arg). This variant is not present in population databases (gnomAD no frequency). This variant has not been reported in the literature in individuals affected with CHD2-related conditions. Invitae Evidence Modeling of protein sequence and biophysical properties (such as structural, functional, and spatial information, amino acid conservation, physicochemical variation, residue mobility, and thermodynamic stability) indicates that this missense variant is not expected to disrupt CHD2 protein function with a negative predictive value of 95%. In summary, the available evidence is currently insufficient to determine the role of this variant in disease. Therefore, it has been classified as a Variant of Uncertain Significance.

NM_001271.4(CHD2):c.1028A>G (p.Lys343Arg)

Gene: CHD2 (chromodomain helicase DNA binding protein 2; plus strand). Cytogenetic location: 15q26.1.
Variant type: single nucleotide variant.
Coding change: c.1028A>G on transcript NM_001271.4 (MANE Select); coding-DNA position 1028, A replaced by G.
Protein change: p.Lys343Arg; replaces lysine 343 with arginine.
Molecular consequence: missense variant.
Genome position (GRCh38, 1-based): chr15:92,943,044, A>G. VCF-style: chr15-92943044-A-G. GRCh37 (hg19) VCF-style: chr15-93486274-A-G.
Other names: c.1028A>G, p.Lys343Arg (NM_001042572.3); short protein forms K343R.
Identifiers: ClinVar variation 4802430 (VCV004802430.1).
Genomic context (GRCh38, chr15:92,943,044, plus strand): 5'-GTGAAGAATCCTTACAGCAACAGAAAGTGAAGGGCCTAAAAAAACTAGAGAACTTCAAGA[A>G]AAAAGAGGACGAAATCAAACAATGGTATATTTTCCATCATGGATTAAAGAAATGTATTTG-3'
Protein context (NP_001262.3, residues 333-353): KGLKKLENFK[Lys343Arg]KEDEIKQWLG